The following is an entry in ClinVar:

ClinVar aggregate classification (germline): Uncertain significance (1 of 4 stars; one submission).

Allele frequency attached by ClinVar (database versions not stated): gnomAD exomes below 0.00001.
gnomAD v4.1: 2 of 1,604,582 alleles (0.00012%); highest among the groups gnomAD compares: South Asian, 0.0022%; no homozygotes.

Submission:

Labcorp Genetics (formerly Invitae), Labcorp
Classification: Uncertain significance. Last evaluated: 2023-12-10. Review status: criteria provided, single submitter. Criteria: Invitae Variant Classification Sherloc (09022015). Collection method: clinical testing. Allele origin: germline.
Comment: This sequence change replaces leucine, which is neutral and non-polar, with proline, which is neutral and non-polar, at codon 1740 of the POLE protein (p.Leu1740Pro). This variant is not present in population databases (gnomAD no frequency). This variant has not been reported in the literature in individuals affected with POLE-related conditions. Advanced modeling of protein sequence and biophysical properties (such as structural, functional, and spatial information, amino acid conservation, physicochemical variation, residue mobility, and thermodynamic stability) performed at Invitae indicates that this missense variant is expected to disrupt POLE protein function with a positive predictive value of 80%. In summary, the available evidence is currently insufficient to determine the role of this variant in disease. Therefore, it has been classified as a Variant of Uncertain Significance.

NM_006231.4(POLE):c.5219T>C (p.Leu1740Pro)

Gene: POLE (DNA polymerase epsilon, catalytic subunit; minus strand). Cytogenetic location: 12q24.33.
Variant type: single nucleotide variant.
Coding change: c.5219T>C on transcript NM_006231.4 (MANE Select); coding-DNA position 5219, T replaced by C.
Protein change: p.Leu1740Pro; replaces leucine 1740 with proline.
Molecular consequence: missense variant.
Genome position (GRCh38, 1-based): chr12:132,641,806, A>G on the plus strand (T>C on the coding strand, the complement: POLE is on the minus strand). VCF-style: chr12-132641806-A-G. GRCh37 (hg19) VCF-style: chr12-133218392-A-G.
Other names: short protein forms L1740P.
Identifiers: ClinVar variation 2854391 (VCV002854391.3), dbSNP rs2541881526, ClinGen allele CA387376408.